The following is an entry in ClinVar:

NM_002381.5(MATN3):c.359C>G (p.Thr120Arg)

Gene: MATN3 (matrilin 3; minus strand). Cytogenetic location: 2p24.1.
Variant type: single nucleotide variant.
Coding change: c.359C>G on transcript NM_002381.5 (MANE Select); coding-DNA position 359, C replaced by G.
Protein change: p.Thr120Arg; replaces threonine 120 with arginine.
Molecular consequence: missense variant.
Genome position (GRCh38, 1-based): chr2:20,006,175, G>C on the plus strand (C>G on the coding strand, the complement: MATN3 is on the minus strand). VCF-style: chr2-20006175-G-C. GRCh37 (hg19) VCF-style: chr2-20205936-G-C.
Other names: short protein forms T120R.
Identifiers: ClinVar variation 4280636 (VCV004280636.1).

ClinVar aggregate classification (germline): Likely pathogenic (1 of 4 stars; one submission).

Conditions:
Pseudoachondroplastic spondyloepiphyseal dysplasia syndrome (PSACH). Also called: PSEUDOACHONDROPLASTIC DYSPLASIA; Pseudoachondroplasia; COMP-Related Pseudoachondroplasia. Identifiers: Orphanet 750, MedGen C0410538, MONDO:0008322, OMIM 177170.

Submission:

Clinical Biomedical Laboratory, Shriners Hospital For Children - Canada
Classification: Likely pathogenic for Pseudoachondroplastic spondyloepiphyseal dysplasia syndrome. Last evaluated: 2025-10-05. Review status: criteria provided, single submitter. Criteria: ACMG Guidelines, 2015. Collection method: clinical testing. Allele origin: germline. Affected: yes.
Comment: This variant is predicted to substitute a threonine residue by an arginine residue in matrilin 3. This variant is absent from the Genome Aggregation Database (v2.1.1). Computational tools (REVEL: 0.93) suggest that the amino acid change is damaging to protein function. A different missense variant affecting the same same amino acid (MATN3 p.Thr120Met) is an established cause of multiple epiphyseal dysplasia type 5. The missense variant affects a protein domain that includes several pathogenic missense variants and no benign missense variants, suggesting that the protein domain is critical for function.